The following is an entry in ClinVar:

NM_194248.3(OTOF):c.3593T>C (p.Leu1198Pro)

Gene: OTOF (otoferlin; minus strand). Cytogenetic location: 2p23.3.
Variant type: single nucleotide variant.
Coding change: c.3593T>C on transcript NM_194248.3 (MANE Select); coding-DNA position 3593, T replaced by C.
Protein change: p.Leu1198Pro; replaces leucine 1198 with proline.
Molecular consequence: missense variant.
Genome position (GRCh38, 1-based): chr2:26,473,272, A>G on the plus strand (T>C on the coding strand, the complement: OTOF is on the minus strand). VCF-style: chr2-26473272-A-G. GRCh37 (hg19) VCF-style: chr2-26696140-A-G.
Other names: c.3593T>C, p.Leu1198Pro (NM_001287489.2); c.1352T>C, p.Leu451Pro (NM_004802.4, NM_194323.3); c.1523T>C, p.Leu508Pro (NM_194322.3); short protein forms L1198P, L451P, L508P.
Identifiers: ClinVar variation 5016969 (VCV005016969.1).

ClinVar aggregate classification (germline): Uncertain significance (1 of 4 stars; one submission).

Submission:

GeneDx
Classification: Uncertain significance. Last evaluated: 2026-03-27. Review status: criteria provided, single submitter. Criteria: GeneDx Variant Classification Process June 2021. Collection method: clinical testing. Allele origin: germline.
Comment: Not observed at significant frequency in large population cohorts (gnomAD); In silico analysis supports that this missense variant has a deleterious effect on protein structure/function; Has not been previously published as pathogenic or benign to our knowledge